The following is an entry in ClinVar:

NM_152617.4(RNF168):c.976T>C (p.Cys326Arg)

Gene: RNF168 (ring finger protein 168; minus strand). Cytogenetic location: 3q29.
Variant type: single nucleotide variant.
Coding change: c.976T>C on transcript NM_152617.4 (MANE Select); coding-DNA position 976, T replaced by C.
Protein change: p.Cys326Arg; replaces cysteine 326 with arginine.
Molecular consequence: missense variant.
Genome position (GRCh38, 1-based): chr3:196,472,559, A>G on the plus strand (T>C on the coding strand, the complement: RNF168 is on the minus strand). VCF-style: chr3-196472559-A-G. GRCh37 (hg19) VCF-style: chr3-196199430-A-G.
Other names: c.976T>C (NM_152617.3); short protein forms C326R.
Identifiers: ClinVar variation 1047347 (VCV001047347.3), dbSNP rs145947062, ClinGen allele CA2780758.

ClinVar aggregate classification (germline): Uncertain significance. Review status: criteria provided, multiple submitters, no conflicts (2 of 4 stars). 2 submissions from 2 submitters: Uncertain significance (2). Last evaluated 2024-01-23.

Conditions:
Inborn genetic diseases. Identifiers: MedGen C0950123, MeSH D030342.

Allele frequency attached by ClinVar (database versions not stated): ExAC 0.00007; gnomAD exomes 0.00010; 1000 Genomes Project 30x 0.00016; gnomAD 0.00019 and 0.00021; 1000 Genomes Project 0.00020; TOPMed 0.00021; ESP Exome Variant Server 0.00038.
gnomAD v4.1: 89 of 1,614,234 alleles (0.0055%); highest among the groups gnomAD compares: African/African-American, 0.056%; no homozygotes.

Submissions (2):

Ambry Genetics
Classification: Uncertain significance for Inborn genetic diseases. Last evaluated: 2024-01-23. Review status: criteria provided, single submitter. Criteria: Ambry Variant Classification Scheme 2023. Collection method: clinical testing. Allele origin: germline.

Labcorp Genetics (formerly Invitae), Labcorp
Classification: Uncertain significance. Last evaluated: 2022-08-08. Review status: criteria provided, single submitter. Criteria: Invitae Variant Classification Sherloc (09022015). Collection method: clinical testing. Allele origin: germline.
Comment: This sequence change replaces cysteine, which is neutral and slightly polar, with arginine, which is basic and polar, at codon 326 of the RNF168 protein (p.Cys326Arg). This variant is present in population databases (rs145947062, gnomAD 0.08%). This variant has not been reported in the literature in individuals affected with RNF168-related conditions. ClinVar contains an entry for this variant (Variation ID: 1047347). Algorithms developed to predict the effect of missense changes on protein structure and function (SIFT, PolyPhen-2, Align-GVGD) all suggest that this variant is likely to be tolerated. In summary, the available evidence is currently insufficient to determine the role of this variant in disease. Therefore, it has been classified as a Variant of Uncertain Significance.